The following is an entry in ClinVar:

NM_002047.4(GARS1):c.1700-1G>A

Gene: GARS1 (glycyl-tRNA synthetase 1; plus strand). Cytogenetic location: 7p14.3.
Variant type: single nucleotide variant.
Coding change: c.1700-1G>A on transcript NM_002047.4 (MANE Select); the canonical splice acceptor site of the intron before coding-DNA position 1700, G replaced by A.
Molecular consequence: splice acceptor variant.
Genome position (GRCh38, 1-based): chr7:30,628,559, G>A. VCF-style: chr7-30628559-G-A. GRCh37 (hg19) VCF-style: chr7-30668175-G-A.
Other names: c.1538-1G>A (NM_001316772.1).
Identifiers: ClinVar variation 643596 (VCV000643596.7), dbSNP rs1584051498, ClinGen allele CA367129494.

ClinVar aggregate classification (germline): Uncertain significance (1 of 4 stars; one submission).

Conditions:
Charcot-Marie-Tooth disease type 2. Also called: Charcot-Marie-Tooth type 2. Identifiers: Orphanet 64746, MedGen C0270914, MONDO:0018993.

Allele frequency attached by ClinVar (database versions not stated): gnomAD exomes below 0.00001.

Submission:

Labcorp Genetics (formerly Invitae), Labcorp
Classification: Uncertain significance for Charcot-Marie-Tooth disease type 2. Last evaluated: 2018-12-07. Review status: criteria provided, single submitter. Criteria: Invitae Variant Classification Sherloc (09022015). Collection method: clinical testing. Allele origin: germline.
Comment: Algorithms developed to predict the effect of sequence changes on RNA splicing suggest that this variant may disrupt the consensus splice site, but this prediction has not been confirmed by published transcriptional studies. In summary, the available evidence is currently insufficient to determine the role of this variant in disease. Therefore, it has been classified as a Variant of Uncertain Significance. The current clinical and genetic evidence is not sufficient to establish whether loss-of-function variants in GARS cause disease. This variant has not been reported in the literature in individuals with GARS-related disease. This variant is not present in population databases (ExAC no frequency). This sequence change affects an acceptor splice site in intron 13 of the GARS gene. It is expected to disrupt RNA splicing and likely results in an absent or disrupted protein product.